The following is an entry in ClinVar:

ClinVar aggregate classification (germline): Pathogenic (1 of 4 stars; one submission).

Conditions:
Wolfram syndrome 2 (WFS2). Identifiers: Orphanet 3463, MedGen C1858028, MONDO:0011502, OMIM 604928.

Submission:

Women's Health and Genetics/Laboratory Corporation of America, LabCorp
Classification: Pathogenic for Wolfram syndrome 2. Last evaluated: 2023-06-02. Review status: criteria provided, single submitter. Criteria: LabCorp Variant Classification Summary - May 2015. Collection method: clinical testing. Allele origin: germline.
Comment: Variant summary: The variant identified by MLPA or other technology involves the deletion of exons 2-3 (i.e. the penutlimate and ultimate exons) in the CISD2 gene. A presumed nomenclature of c.(103+1_104-1)_(*5378_?)del has been designated for the purposes of this classification. The variant was absent in 21694 control chromosomes (gnomAD, Structural Variants dataset). To our knowledge, no occurrence of c.(103+1_104-1)_(*5378_?)del in individuals affected with Wolfram Syndrome 2 has been reported. However, skipping/deletion of exon 2 has been reported in multiple affected families, and was shown to segregate with disease (PMIDs: 25056293, 17846994). No clinical diagnostic laboratories have submitted clinical-significance assessments for this variant to ClinVar after 2014. Based on the evidence outlined above, the variant was classified as pathogenic.

NC_000004.11:g.(103790345_103806372)_(103813965_?)del

Genes: CISD2 (CDGSH iron sulfur domain 2; plus strand), SLC9B1 (solute carrier family 9 member B1; minus strand). Cytogenetic location: 4q24.
Variant type: Deletion.
Identifiers: ClinVar variation 2573447 (VCV002573447.1).